The following is an entry in ClinVar:

ClinVar aggregate classification (germline): Uncertain significance. Review status: criteria provided, multiple submitters, no conflicts (2 of 4 stars). 2 submissions from 2 submitters: Uncertain significance (2). Last evaluated 2026-04-10.

Conditions:
Hereditary cancer-predisposing syndrome. Also called: Hereditary neoplastic syndrome; Tumor predisposition; Hereditary Cancer Syndrome; Neoplastic Syndromes, Hereditary. Identifiers: Orphanet 140162, MedGen C0027672, MeSH D009386, MONDO:0015356.
Birt-Hogg-Dube syndrome. Also called: Birt Hogg Dubé syndrome. Identifiers: Orphanet 122, MedGen C0346010, MONDO:0800444.

Submissions (2):

Ambry Genetics
Classification: Uncertain significance for Hereditary cancer-predisposing syndrome. Last evaluated: 2026-04-10. Review status: criteria provided, single submitter. Criteria: Ambry Variant Classification Scheme 2023. Collection method: clinical testing. Allele origin: germline.
Comment: The p.W299R variant (also known as c.895T>C), located in coding exon 6 of the FLCN gene, results from a T to C substitution at nucleotide position 895. The tryptophan at codon 299 is replaced by arginine, an amino acid with dissimilar properties. This amino acid position is conserved. In addition, the in silico prediction for this alteration is inconclusive. Based on the available evidence, the clinical significance of this variant remains unclear.

Labcorp Genetics (formerly Invitae), Labcorp
Classification: Uncertain significance for Birt-Hogg-Dube syndrome. Last evaluated: 2026-01-18. Review status: criteria provided, single submitter. Criteria: Invitae Variant Classification Sherloc (09022015). Collection method: clinical testing. Allele origin: germline.
Comment: This sequence change replaces tryptophan, which is neutral and slightly polar, with arginine, which is basic and polar, at codon 299 of the FLCN protein (p.Trp299Arg). This variant is not present in population databases (gnomAD no frequency). This variant has not been reported in the literature in individuals affected with FLCN-related conditions. ClinVar contains an entry for this variant (Variation ID: 3620612). Invitae Evidence Modeling of protein sequence and biophysical properties (such as structural, functional, and spatial information, amino acid conservation, physicochemical variation, residue mobility, and thermodynamic stability) indicates that this missense variant is not expected to disrupt FLCN protein function with a negative predictive value of 80%. In summary, the available evidence is currently insufficient to determine the role of this variant in disease. Therefore, it has been classified as a Variant of Uncertain Significance.

NM_144997.7(FLCN):c.895T>C (p.Trp299Arg)

Gene: FLCN (folliculin; minus strand). Cytogenetic location: 17p11.2.
Variant type: single nucleotide variant.
Coding change: c.895T>C on transcript NM_144997.7 (MANE Select); coding-DNA position 895, T replaced by C.
Protein change: p.Trp299Arg; replaces tryptophan 299 with arginine.
Molecular consequence: missense variant.
Genome position (GRCh38, 1-based): chr17:17,219,186, A>G on the plus strand (T>C on the coding strand, the complement: FLCN is on the minus strand). VCF-style: chr17-17219186-A-G. GRCh37 (hg19) VCF-style: chr17-17122500-A-G.
Other names: c.949T>C, p.Trp317Arg (NM_001353229.2); c.895T>C, p.Trp299Arg (NM_001353230.2, NM_001353231.2); short protein forms W299R, W317R.
Identifiers: ClinVar variation 3620612 (VCV003620612.3).